The following is an entry in ClinVar:

NM_024685.4(BBS10):c.358T>C (p.Trp120Arg)

Gene: BBS10 (Bardet-Biedl syndrome 10; minus strand). Cytogenetic location: 12q21.2.
Variant type: single nucleotide variant.
Coding change: c.358T>C on transcript NM_024685.4 (MANE Select); coding-DNA position 358, T replaced by C.
Protein change: p.Trp120Arg; replaces tryptophan 120 with arginine.
Molecular consequence: missense variant.
Genome position (GRCh38, 1-based): chr12:76,347,627, A>G on the plus strand (T>C on the coding strand, the complement: BBS10 is on the minus strand). VCF-style: chr12-76347627-A-G. GRCh37 (hg19) VCF-style: chr12-76741407-A-G.
Other names: short protein forms W120R.
Identifiers: ClinVar variation 2133369 (VCV002133369.4), dbSNP rs2540957047, ClinGen allele CA385815453.

ClinVar aggregate classification (germline): Uncertain significance (1 of 4 stars; one submission).

Conditions:
Bardet-Biedl syndrome (BBS). Identifiers: Orphanet 110, MedGen C0752166, MONDO:0015229.

Submission:

Labcorp Genetics (formerly Invitae), Labcorp
Classification: Uncertain significance for Bardet-Biedl syndrome. Last evaluated: 2023-12-21. Review status: criteria provided, single submitter. Criteria: Invitae Variant Classification Sherloc (09022015). Collection method: clinical testing. Allele origin: germline.
Comment: This sequence change replaces tryptophan, which is neutral and slightly polar, with arginine, which is basic and polar, at codon 120 of the BBS10 protein (p.Trp120Arg). This variant is not present in population databases (gnomAD no frequency). This variant has not been reported in the literature in individuals affected with BBS10-related conditions. ClinVar contains an entry for this variant (Variation ID: 2133369). Advanced modeling of protein sequence and biophysical properties (such as structural, functional, and spatial information, amino acid conservation, physicochemical variation, residue mobility, and thermodynamic stability) has been performed at Invitae for this missense variant, however the output from this modeling did not meet the statistical confidence thresholds required to predict the impact of this variant on BBS10 protein function. In summary, the available evidence is currently insufficient to determine the role of this variant in disease. Therefore, it has been classified as a Variant of Uncertain Significance.